The following is an entry in ClinVar:

ClinVar aggregate classification (germline): Uncertain significance (1 of 4 stars; one submission).

Allele frequency attached by ClinVar (database versions not stated): gnomAD exomes 0.00001; TOPMed 0.00003; gnomAD 0.00005.
gnomAD v4.1: 13 of 1,614,086 alleles (0.00081%); highest among the groups gnomAD compares: Admixed American, 0.022%; no homozygotes.

Submission:

GeneDx
Classification: Uncertain significance. Last evaluated: 2019-12-20. Review status: criteria provided, single submitter. Criteria: GeneDx Variant Classification Process June 2021. Collection method: clinical testing. Allele origin: germline. Affected: yes.
Comment: Has not been previously published as pathogenic or benign to our knowledge; Not observed at a significant frequency in large population cohorts (Lek et al., 2016); In silico analysis, which includes protein predictors and evolutionary conservation, supports a deleterious effect

NM_025207.5(FLAD1):c.580G>T (p.Ala194Ser)

Gene: FLAD1 (flavin adenine dinucleotide synthetase 1; plus strand). Cytogenetic location: 1q21.3.
Variant type: single nucleotide variant.
Coding change: c.580G>T on transcript NM_025207.5 (MANE Select); coding-DNA position 580, G replaced by T.
Protein change: p.Ala194Ser; replaces alanine 194 with serine.
Molecular consequence: missense variant.
Genome position (GRCh38, 1-based): chr1:154,988,312, G>T. VCF-style: chr1-154988312-G-T. GRCh37 (hg19) VCF-style: chr1-154960788-G-T.
Other names: c.289G>T, p.Ala97Ser (NM_001184891.2, NM_201398.3); c.283G>T, p.Ala95Ser (NM_001184892.2); short protein forms A194S, A95S, A97S.
Identifiers: ClinVar variation 1311404 (VCV001311404.2), dbSNP rs1250036112, ClinGen allele CA342744108.